The following is an entry in ClinVar:

ClinVar aggregate classification (germline): Uncertain significance (1 of 4 stars; one submission).

gnomAD v4.1: 3 of 1,494,700 alleles (0.0002%); highest among the groups gnomAD compares: Admixed American, 0.0043%; no homozygotes.

Submission:

Ambry Genetics
Classification: Uncertain significance. Last evaluated: 2024-07-09. Review status: criteria provided, single submitter. Criteria: Ambry Variant Classification Scheme 2023. Collection method: clinical testing. Allele origin: germline.
Comment: The c.196G>A (p.G66S) alteration is located in exon (coding exon ) of the MLXIP gene. This alteration results from a G to A substitution at nucleotide position 196, causing the glycine (G) at amino acid position 66 to be replaced by a serine (S). Based on insufficient or conflicting evidence, the clinical significance of this alteration remains unclear.

NM_014938.6(MLXIP):c.196G>A (p.Gly66Ser)

Gene: MLXIP (MLX interacting protein; plus strand). Cytogenetic location: 12q24.31.
Variant type: single nucleotide variant.
Coding change: c.196G>A on transcript NM_014938.6 (MANE Select); coding-DNA position 196, G replaced by A.
Protein change: p.Gly66Ser; replaces glycine 66 with serine.
Molecular consequence: missense variant.
Genome position (GRCh38, 1-based): chr12:122,079,049, G>A. VCF-style: chr12-122079049-G-A. GRCh37 (hg19) VCF-style: chr12-122516955-G-A.
Other names: short protein forms G66S.
Identifiers: ClinVar variation 3396878 (VCV003396878.1).
Genomic context (GRCh38, chr12:122,079,049, plus strand): 5'-GCGGCCACCCCGGCCCGGGCCCACGCGAGCGCCGCGCCACCGCCGCCTCGGGCCGGGCCG[G>A]GCCGCGAGGAACCTCCGCGCCGCCAGCAGATCATCCACAGCGGCCACTTCATGGTGTCGT-3'
Protein context (NP_055753.3, residues 56-76): AAPPPPRAGP[Gly66Ser]REEPPRRQQI